The following is an entry in ClinVar:

ClinVar aggregate classification (germline): Likely benign. Review status: reviewed by expert panel (3 of 4 stars). 6 submissions from 6 submitters: Likely benign (1). 5 of the submissions do not count toward it. Last evaluated 2017-06-29.

Conditions:
Hereditary cancer-predisposing syndrome. Also called: Tumor predisposition; Hereditary Cancer Syndrome; Hereditary neoplastic syndrome; Neoplastic Syndromes, Hereditary. Identifiers: Orphanet 140162, MedGen C0027672, MeSH D009386, MONDO:0015356.
Hereditary breast ovarian cancer syndrome. Also called: Breast and ovarian cancer; BRCA1- and BRCA2-Associated Hereditary Breast and Ovarian Cancer; Hereditary breast and ovarian cancer; Hereditary breast and ovarian cancer syndrome (HBOC); Hereditary breast and ovarian cancer syndrome; Hereditary breast and/or ovarian cancer syndrome. Identifiers: Orphanet 145, MedGen C0677776, MeSH D061325, MONDO:0003582. Disease mechanism: loss of function.
Breast-ovarian cancer, familial, susceptibility to, 2 (BROVCA2). Also called: BRCA2 Hereditary Breast and Ovarian Cancer. Identifiers: Orphanet 145, MedGen C2675520, MONDO:0012933, OMIM 612555. Disease mechanism: loss of function.

Allele frequency attached by ClinVar (database versions not stated): gnomAD exomes 0.00001 and 0.00002; ExAC 0.00002.
gnomAD v4.1: 12 of 1,595,082 alleles (0.00075%); highest among the groups gnomAD compares: South Asian, 0.014%; no homozygotes.

Submissions (6):

Evidence-based Network for the Interpretation of Germline Mutant Alleles (ENIGMA)
Classification: Likely benign for Breast-ovarian cancer, familial, susceptibility to, 2. Last evaluated: 2017-06-29. Review status: reviewed by expert panel. Criteria: ENIGMA BRCA1/2 Classification Criteria (2017-06-29). Collection method: curation. Allele origin: germline.
Comment: Synonymous substitution variant, with low bioinformatic likelihood to result in a splicing aberration (Splicing prior probability 0.02).

Labcorp Genetics (formerly Invitae), Labcorp
Classification: Likely benign for Hereditary breast ovarian cancer syndrome. Last evaluated: 2025-01-29. Review status: criteria provided, single submitter. Criteria: Invitae Variant Classification Sherloc (09022015). Collection method: clinical testing. Allele origin: germline. Not counted in ClinVar's aggregate classification.

Quest Diagnostics Nichols Institute San Juan Capistrano
Classification: Likely benign. Last evaluated: 2023-07-03. Review status: criteria provided, single submitter. Criteria: Quest Diagnostics criteria. Collection method: clinical testing. Allele origin: unknown. Not counted in ClinVar's aggregate classification.

Blueprint Genetics
Classification: Likely benign. Last evaluated: 2023-05-09. Review status: criteria provided, single submitter. Criteria: ACMG Guidelines, 2015. Collection method: clinical testing. Allele origin: germline. Not counted in ClinVar's aggregate classification.

Ambry Genetics
Classification: Likely benign for Hereditary cancer-predisposing syndrome. Last evaluated: 2018-09-06. Review status: criteria provided, single submitter. Criteria: Ambry Variant Classification Scheme 2023. Collection method: clinical testing. Allele origin: germline. Not counted in ClinVar's aggregate classification.

Color Diagnostics, LLC DBA Color Health
Classification: Likely benign for Hereditary cancer-predisposing syndrome. Last evaluated: 2017-09-22. Review status: criteria provided, single submitter. Criteria: ACMG Guidelines, 2015. Collection method: clinical testing. Allele origin: germline. Not counted in ClinVar's aggregate classification.

Literature cited by the submitters: PubMed 20104584 (cited by Quest Diagnostics Nichols Institute San Juan Capistrano).

NM_000059.4(BRCA2):c.6489A>G (p.Gln2163=)

Gene: BRCA2 (BRCA2 DNA repair associated; plus strand). Cytogenetic location: 13q13.1.
Variant type: single nucleotide variant.
Coding change: c.6489A>G on transcript NM_000059.4 (MANE Select); coding-DNA position 6489, A replaced by G.
Protein change: p.Gln2163=; no amino-acid change (glutamine 2163 retained).
Molecular consequence: synonymous variant.
Genome position (GRCh38, 1-based): chr13:32,340,844, A>G. VCF-style: chr13-32340844-A-G. GRCh37 (hg19) VCF-style: chr13-32914981-A-G.
Identifiers: ClinVar variation 427435 (VCV000427435.17), dbSNP rs756724277, ClinGen allele CA6940962.
Genomic context (GRCh38, chr13:32,340,844, plus strand): 5'-AGAAAATAATCACTCTATTAAAGTTTCTCCATATCTCTCTCAATTTCAACAAGACAAACA[A>G]CAGTTGGTATTAGGAACCAAAGTGTCACTTGTTGAGAACATTCATGTTTTGGGAAAAGAA-3'
Protein context (NP_000050.3, residues 2153-2173): PYLSQFQQDK[Gln2163=]QLVLGTKVSL